The following is an entry in ClinVar:

ClinVar aggregate classification (germline): Pathogenic/Likely pathogenic. Review status: criteria provided, multiple submitters, no conflicts (2 of 4 stars). 23 submissions from 22 submitters: Pathogenic (20); Likely pathogenic (1). 2 of the submissions do not count toward it. Last evaluated 2026-01-26.

Conditions:
NOTCH3-related disorder. Also called: NOTCH3-related disorders; NOTCH3-related condition.
Lateral meningocele syndrome (LMNS). Also called: NOTCH3-Related Lateral Meningocele Syndrome. Identifiers: Orphanet 2789, MedGen C1851710, MONDO:0007537, OMIM 130720.
Cerebral arteriopathy, autosomal dominant, with subcortical infarcts and leukoencephalopathy, type 1 (CADASIL1). Also called: CASIL; Cerebral arteriopathy with subcortical infarcts and leukoencephalopathy 1; DEMENTIA, HEREDITARY MULTIINFARCT TYPE; CADASIL 1. Identifiers: Orphanet 136, MedGen C4551768, MONDO:0000914, OMIM 125310.
Myofibromatosis, infantile, 2. Identifiers: Orphanet 2591, MedGen C3809084, MONDO:0014122, OMIM 615293.
Recurrent subcortical infarcts. Identifiers: MedGen C4024918, HP:0007236.

gnomAD v4.1: 3 of 1,602,300 alleles (0.00019%); highest among the groups gnomAD compares: Non-Finnish European, 0.000085%; no homozygotes.

Submissions 1 to 12 of 23:

Medical and Scientific Branch, Hong Kong Genome Institute
Classification: Pathogenic for Cerebral arteriopathy, autosomal dominant, with subcortical infarcts and leukoencephalopathy, type 1. Last evaluated: 2026-01-26. Review status: criteria provided, single submitter. Criteria: ACMG Guidelines, 2015. Collection method: clinical testing. Allele origin: unknown. Affected: yes.

Institute of Human Genetics, University of Leipzig Medical Center
Classification: Pathogenic for Cerebral arteriopathy, autosomal dominant, with subcortical infarcts and leukoencephalopathy, type 1. Last evaluated: 2025-12-05. Review status: criteria provided, single submitter. Criteria: ACMG Guidelines, 2015. Collection method: clinical testing. Allele origin: unknown. Inheritance: Autosomal dominant inheritance. Affected: yes.
Comment: Criteria applied: PS4,PS3_MOD,PM1,PM2_SUP,PM5_SUP,PP2,PP3

NHS Central & South Genomic Laboratory Hub
Classification: Pathogenic for CADASIL. Last evaluated: 2025-10-21. Review status: criteria provided, single submitter. Criteria: ACMG Guidelines, 2015. Collection method: clinical testing. Allele origin: germline. Affected: yes.

Institute of Medical Genetics and Applied Genomics, University Hospital Tübingen
Classification: Pathogenic for Cerebral arteriopathy, autosomal dominant, with subcortical infarcts and leukoencephalopathy, type 1. Last evaluated: 2025-08-27. Review status: criteria provided, single submitter. Criteria: ACMG Guidelines, 2015. Collection method: clinical testing. Allele origin: germline. Inheritance: Autosomal dominant inheritance. Affected: yes.

PreventionGenetics, part of Exact Sciences
Classification: Pathogenic for NOTCH3-related condition. Last evaluated: 2025-05-23. Review status: criteria provided, single submitter. Criteria: ACMG Guidelines, 2015. Collection method: clinical testing. Allele origin: germline.
Comment: The NOTCH3 c.397C>T variant is predicted to result in the amino acid substitution p.Arg133Cys. This variant, alternatively referred to as c.475C>T using legacy nomenclature, has been reported as causative for cerebral arteriopathy with subcortical infarcts and leukoencephalopathy (CADASIL) in numerous affected individuals and its pathogenicity is supported by functional studies (Joutel et al. 1997. PubMed ID: 9388399; Wollenweber et al. 2015. PubMed ID: 25604251). Of note, the vast majority of CADASIL-causing variants in the NOTCH3 gene are predicted to result in the gain or loss of cysteine residues in the extracellular domain of the protein, as seen in this patient. At PreventionGenetics, we have previously detected this variant in other affected individuals. This variant is reported in 0.0052% of alleles in individuals of European (Finnish) descent in gnomAD and is interpreted as pathogenic/likely pathogenic by multiple laboratories in ClinVar. This variant is interpreted as pathogenic.

Labcorp Genetics (formerly Invitae), Labcorp
Classification: Pathogenic. Last evaluated: 2025-05-09. Review status: criteria provided, single submitter. Criteria: Invitae Variant Classification Sherloc (09022015). Collection method: clinical testing. Allele origin: germline.
Comment: This sequence change replaces arginine, which is basic and polar, with cysteine, which is neutral and slightly polar, at codon 133 of the NOTCH3 protein (p.Arg133Cys). This variant is not present in population databases (gnomAD no frequency). This missense change has been observed in individuals with CADASIL (PMID: 10969905, 22019870, 28334938). ClinVar contains an entry for this variant (Variation ID: 9225). Invitae Evidence Modeling of protein sequence and biophysical properties (such as structural, functional, and spatial information, amino acid conservation, physicochemical variation, residue mobility, and thermodynamic stability) indicates that this missense variant is expected to disrupt NOTCH3 protein function with a positive predictive value of 95%. For these reasons, this variant has been classified as Pathogenic.

Women's Health and Genetics/Laboratory Corporation of America, LabCorp
Classification: Pathogenic for Cerebral arteriopathy, autosomal dominant, with subcortical infarcts and leukoencephalopathy, type 1. Last evaluated: 2024-11-25. Review status: criteria provided, single submitter. Criteria: LabCorp Variant Classification Summary - May 2015. Collection method: clinical testing. Allele origin: germline.
Comment: Variant summary: NOTCH3 c.397C>T (p.Arg133Cys) results in a non-conservative amino acid change located in the EGF like domain of the encoded protein sequence. Five of five in-silico tools predict a damaging effect of the variant on protein function. The variant allele was found at a frequency of 4.5e-06 in 221490 control chromosomes. c.397C>T has been reported in the literature in multiple individuals affected with Cerebral arteriopathy, autosomal dominant, with subcortical infarcts and leukoencephalopathy, type 1 (example: Mukai_2020). These data indicate that the variant is very likely to be associated with disease. The following publication has been ascertained in the context of this evaluation (PMID: 32277177). ClinVar contains an entry for this variant (Variation ID: 9225). Based on the evidence outlined above, the variant was classified as pathogenic.

Genomic Medicine Center of Excellence, King Faisal Specialist Hospital and Research Centre
Classification: Pathogenic for Cerebral arteriopathy, autosomal dominant, with subcortical infarcts and leukoencephalopathy, type 1. Last evaluated: 2024-09-22. Review status: criteria provided, single submitter. Criteria: ACMG Guidelines, 2015. Collection method: clinical testing. Allele origin: germline.

3billion
Classification: Pathogenic for Cerebral arteriopathy, autosomal dominant, with subcortical infarcts and leukoencephalopathy, type 1. Last evaluated: 2024-02-05. Review status: criteria provided, single submitter. Criteria: ACMG Guidelines, 2015. Collection method: clinical testing. Allele origin: germline. Affected: yes.
Comment: The variant is observed at an extremely low frequency in the gnomAD v2.1.1 dataset (total allele frequency: <0.001%). Predicted Consequence/Location: Missense changes are a common disease-causing mechanism. Functional studies provide moderate evidence of the variant having a damaging effect on the gene or gene product (PMID: 19825845). In silico tool predictions suggest damaging effect of the variant on gene or gene product [REVEL: 0.86 (>=0.6, sensitivity 0.68 and specificity 0.92); 3Cnet: 0.84 (>=0.6, sensitivity 0.72 and precision 0.9)]. Same nucleotide change resulting in same amino acid change (ClinVar ID: VCV000009225 /PMID: 9388399) and different missense changes at the same codon (p.Arg133Leu, p.Arg133Ser / ClinVar ID: VCV001687327 /PMID: 34335700) have been previously reported as pathogenic/likely pathogenic with strong evidence.The variant has been observed in at least two similarly affected unrelated individuals (PMID: 10969905, 28334938). Therefore, this variant is classified as Pathogenic according to the recommendation of ACMG/AMP guideline.

GeneDx
Classification: Pathogenic. Last evaluated: 2023-08-31. Review status: criteria provided, single submitter. Criteria: GeneDx Variant Classification Process June 2021. Collection method: clinical testing. Allele origin: germline. Affected: yes.
Comment: Published functional studies suggest that the R133C impacts protein function (Opherk et al., 2009; Takahashi et al., 2010; Wollenweber et al., 2015); In silico analysis supports that this missense variant has a deleterious effect on protein structure/function; This variant is associated with the following publications: (PMID: 10854111, 26261665, 11771160, 25819272, 15378071, 15364702, 16009764, 9388399, 15350543, 19417009, 19825845, 10969905, 11715067, 15716553, 22623959, 22019870, 11486103, 25604251, 28334938, 28534048, 10371548, 12810003, 11755616, 31571467, 31554780, 30402942, 31720972, 34335700, 34008892, 15143298, 10609671, 36047879, 32555735, 34741685, 10766655, 30392756, 16877080, 32277177, 24844136)

Blueprint Genetics
Classification: Pathogenic for NOTCH3-related disorders. Last evaluated: 2023-06-19. Review status: criteria provided, single submitter. Criteria: ACMG Guidelines, 2015. Collection method: clinical testing. Allele origin: germline. Affected: yes. Observed: 1 variant allele.

Mayo Clinic Laboratories, Mayo Clinic
Classification: Pathogenic. Last evaluated: 2022-07-04. Review status: criteria provided, single submitter. Criteria: ACMG Guidelines, 2015. Collection method: clinical testing. Allele origin: germline. Observed: 5 variant alleles.
Comment: PP3, PP4, PP5, PM1, PS3, PS4

NM_000435.3(NOTCH3):c.397C>T (p.Arg133Cys)

Gene: NOTCH3 (notch receptor 3; minus strand). Cytogenetic location: 19p13.12.
Variant type: single nucleotide variant.
Coding change: c.397C>T on transcript NM_000435.3 (MANE Select); coding-DNA position 397, C replaced by T.
Protein change: p.Arg133Cys; replaces arginine 133 with cysteine.
Molecular consequence: missense variant.
Genome position (GRCh38, 1-based): chr19:15,192,242, G>A on the plus strand (C>T on the coding strand, the complement: NOTCH3 is on the minus strand). VCF-style: chr19-15192242-G-A. GRCh37 (hg19) VCF-style: chr19-15303053-G-A.
Other names: Finnish founder variant; short protein forms R133C.
Identifiers: ClinVar variation 9225 (VCV000009225.73), dbSNP rs137852642, ClinGen allele CA340890.
Genomic context (GRCh38, chr19:15,192,242, plus strand): 5'-GGCCCTGGTAGCCAGGTGGGCAGGAGCAGAGGAAGCGTCCATCGGGCCCCACTGAGCAGC[G>A]GGCACCGTGGGCACAAGGGCTGCTGAGGCAGGGATCTGGCAGGGAGCAGTCAGGGCCTGG-3'
Protein context (NP_000426.2, residues 123-143): CLSSPCAHGA[Arg133Cys]CSVGPDGRFL